The following is an entry in ClinVar:

NM_001609.4(ACADSB):c.20G>T (p.Arg7Leu)

Gene: ACADSB (acyl-CoA dehydrogenase short/branched chain; plus strand). Cytogenetic location: 10q26.13.
Variant type: single nucleotide variant.
Coding change: c.20G>T on transcript NM_001609.4 (MANE Select); coding-DNA position 20, G replaced by T.
Protein change: p.Arg7Leu; replaces arginine 7 with leucine.
Molecular consequence: missense variant. On other transcripts: 5 prime UTR variant (1).
Genome position (GRCh38, 1-based): chr10:123,009,049, G>T. VCF-style: chr10-123009049-G-T. GRCh37 (hg19) VCF-style: chr10-124768565-G-T.
Other names: c.-186G>T (NM_001330174.3); short protein forms R7L.
Identifiers: ClinVar variation 1037854 (VCV001037854.8), dbSNP rs1179957829, ClinGen allele CA378615320.
Genomic context (GRCh38, chr10:123,009,049, plus strand): 5'-TAGAGACCCAGAGGCGCAGAGCGGAGAGGCCTGCGGCGAGGATGGAGGGCCTGGCAGTGC[G>T]GTTGCTGCGCGGCAGCAGGCTGGTGAGTGCGTTCGAGGCTGGCGTCCTGGGGGCCCAGGG-3'
Protein context (NP_001600.1, residues 1-17): MEGLAV[Arg7Leu]LLRGSRLLRR

ClinVar aggregate classification (germline): Uncertain significance (1 of 4 stars; one submission).

Conditions:
Deficiency of 2-methylbutyryl-CoA dehydrogenase (ACADSB). Also called: 2-methylbutyrylglycinuria; 2-methylbutyryl-CoA dehydrogenase deficiency; SBCAD deficiency; 2-methylbutyric aciduria; Short branched-chain acyl-CoA dehydrogenase deficiency. Identifiers: Orphanet 79157, MedGen C1864912, MONDO:0012392, OMIM 610006, HP:0020147.

gnomAD v4.1: 1 of 1,547,892 alleles (0.000065%); highest among the groups gnomAD compares: South Asian, 0.0012%; no homozygotes.

Submission:

Labcorp Genetics (formerly Invitae), Labcorp
Classification: Uncertain significance for Deficiency of 2-methylbutyryl-CoA dehydrogenase. Last evaluated: 2020-10-10. Review status: criteria provided, single submitter. Criteria: Invitae Variant Classification Sherloc (09022015). Collection method: clinical testing. Allele origin: germline.
Comment: This sequence change replaces arginine with leucine at codon 7 of the ACADSB protein (p.Arg7Leu). The arginine residue is weakly conserved and there is a moderate physicochemical difference between arginine and leucine. In summary, the available evidence is currently insufficient to determine the role of this variant in disease. Therefore, it has been classified as a Variant of Uncertain Significance. Algorithms developed to predict the effect of missense changes on protein structure and function are either unavailable or do not agree on the potential impact of this missense change (SIFT: "Tolerated"; PolyPhen-2: "Probably Damaging"; Align-GVGD: "Class C0"). This variant has not been reported in the literature in individuals with ACADSB-related conditions. This variant is not present in population databases (ExAC no frequency).